The following is an entry in ClinVar:

NM_001377458.1(CLCC1):c.12T>C (p.Ser4=)

Gene: CLCC1 (chloride channel CLIC like 1; minus strand). Cytogenetic location: 1p13.3.
Variant type: single nucleotide variant.
Coding change: c.12T>C on transcript NM_001377458.1 (MANE Select); coding-DNA position 12, T replaced by C.
Protein change: p.Ser4=; no amino-acid change (serine 4 retained).
Molecular consequence: synonymous variant. On other transcripts: 5 prime UTR variant (1), non-coding transcript variant (1).
Genome position (GRCh38, 1-based): chr1:108,950,426, A>G on the plus strand (T>C on the coding strand, the complement: CLCC1 is on the minus strand). VCF-style: chr1-108950426-A-G. GRCh37 (hg19) VCF-style: chr1-109493048-A-G.
Other names: c.12T>C, p.Ser4= (NM_001048210.3, NM_001278202.2, NM_001278203.1 and 12 more transcripts); c.-451T>C (NM_001377470.1).
Identifiers: ClinVar variation 2119066 (VCV002119066.4), dbSNP rs1655039953, ClinGen allele CA419332319.

ClinVar aggregate classification (germline): Uncertain significance (1 of 4 stars; one submission).

Allele frequency attached by ClinVar (database versions not stated): gnomAD exomes below 0.00001; gnomAD 0.00001.
gnomAD v4.1: 3 of 1,607,876 alleles (0.00019%); highest among the groups gnomAD compares: Non-Finnish European, 0.00026%; no homozygotes.

Submission:

Labcorp Genetics (formerly Invitae), Labcorp
Classification: Uncertain significance. Last evaluated: 2022-03-28. Review status: criteria provided, single submitter. Criteria: Invitae Variant Classification Sherloc (09022015). Collection method: clinical testing. Allele origin: germline.
Comment: This sequence change affects codon 4 of the CLCC1 mRNA. It is a 'silent' change, meaning that it does not change the encoded amino acid sequence of the CLCC1 protein. This variant is not present in population databases (gnomAD no frequency). In summary, the available evidence is currently insufficient to determine the role of this variant in disease. Therefore, it has been classified as a Variant of Uncertain Significance. Algorithms developed to predict the effect of sequence changes on RNA splicing suggest that this variant may disrupt the consensus splice site. This variant has not been reported in the literature in individuals affected with CLCC1-related conditions.